The following is an entry in ClinVar:

ClinVar aggregate classification (germline): Uncertain significance (1 of 4 stars; one submission).

Conditions:
Deficiency of adenosine deaminase 2. Also called: Polyarteritis nodosa, childhoood-onset; Adenosine Deaminase 2 Deficiency; VASCULITIS, AUTOINFLAMMATION, IMMUNODEFICIENCY, AND HEMATOLOGIC DEFECTS SYNDROME. Identifiers: Orphanet 404553, MedGen C3887654, MONDO:0014306, OMIM 615688, MONDO:0100317.

Allele frequency attached by ClinVar (database versions not stated): ExAC 0.00002; gnomAD exomes below 0.00001; gnomAD 0.00001.
gnomAD v4.1: 2 of 1,613,892 alleles (0.00012%); no homozygotes.

Submission:

Labcorp Genetics (formerly Invitae), Labcorp
Classification: Uncertain significance for Deficiency of adenosine deaminase 2. Last evaluated: 2020-09-01. Review status: criteria provided, single submitter. Criteria: Invitae Variant Classification Sherloc (09022015). Collection method: clinical testing. Allele origin: germline.
Comment: This variant has not been reported in the literature in individuals with ADA2-related conditions. This variant is present in population databases (rs765154508, ExAC 0.02%). This sequence change replaces threonine with isoleucine at codon 380 of the ADA2 protein (p.Thr380Ile). The threonine residue is highly conserved and there is a moderate physicochemical difference between threonine and isoleucine. Algorithms developed to predict the effect of missense changes on protein structure and function are either unavailable or do not agree on the potential impact of this missense change (SIFT: "Deleterious"; PolyPhen-2: "Possibly Damaging"; Align-GVGD: "Class C0"). In summary, the available evidence is currently insufficient to determine the role of this variant in disease. Therefore, it has been classified as a Variant of Uncertain Significance.

NM_001282225.2(ADA2):c.1139C>T (p.Thr380Ile)

Gene: ADA2 (adenosine deaminase 2; minus strand). Cytogenetic location: 22q11.1.
Variant type: single nucleotide variant.
Coding change: c.1139C>T on transcript NM_001282225.2 (MANE Select); coding-DNA position 1139, C replaced by T.
Protein change: p.Thr380Ile; replaces threonine 380 with isoleucine.
Molecular consequence: missense variant.
Genome position (GRCh38, 1-based): chr22:17,182,704, G>A on the plus strand (C>T on the coding strand, the complement: ADA2 is on the minus strand). VCF-style: chr22-17182704-G-A. GRCh37 (hg19) VCF-style: chr22-17663594-G-A.
Other names: c.1139C>T, p.Thr380Ile (NM_001282226.2); c.1013C>T, p.Thr338Ile (NM_001282227.2, NM_001282228.2); c.779C>T, p.Thr260Ile (NM_001282229.2); c.416C>T, p.Thr139Ile (NM_177405.3); short protein forms T139I, T260I, T338I, T380I.
Identifiers: ClinVar variation 1017399 (VCV001017399.9), dbSNP rs765154508, ClinGen allele CA10087944.